The following is an entry in ClinVar:

ClinVar aggregate classification (germline): Uncertain significance. Review status: criteria provided, multiple submitters, no conflicts (2 of 4 stars). 2 submissions from 2 submitters: Uncertain significance (2). Last evaluated 2025-11-20.

Conditions:
P4HTM-related disorder. Also called: P4HTM-related condition.
Inborn genetic diseases. Identifiers: MedGen C0950123, MeSH D030342.

gnomAD v4.1: 81 of 1,547,826 alleles (0.0052%); highest among the groups gnomAD compares: Non-Finnish European, 0.0062%; no homozygotes.

Submissions (2):

PreventionGenetics, part of Exact Sciences
Classification: Uncertain significance for P4HTM-related condition. Last evaluated: 2025-11-20. Review status: criteria provided, single submitter. Criteria: ACMG Guidelines, 2015. Collection method: clinical testing. Allele origin: germline.
Comment: The P4HTM c.871C>G variant is predicted to result in the amino acid substitution p.Arg291Gly. To our knowledge, this variant has not been reported in the literature. This variant is reported in 0.015% of alleles in individuals of European (Non-Finnish) descent in gnomAD. At this time, the clinical significance of this variant is uncertain due to the absence of conclusive functional and genetic evidence.

Ambry Genetics
Classification: Uncertain significance for Inborn genetic diseases. Last evaluated: 2024-07-30. Review status: criteria provided, single submitter. Criteria: Ambry Variant Classification Scheme 2023. Collection method: clinical testing. Allele origin: germline.

NM_177939.3(P4HTM):c.871C>G (p.Arg291Gly)

Gene: P4HTM (prolyl 4-hydroxylase, transmembrane; plus strand). Cytogenetic location: 3p21.31.
Variant type: single nucleotide variant.
Coding change: c.871C>G on transcript NM_177939.3 (MANE Select); coding-DNA position 871, C replaced by G.
Protein change: p.Arg291Gly; replaces arginine 291 with glycine.
Molecular consequence: missense variant.
Genome position (GRCh38, 1-based): chr3:49,004,244, C>G. VCF-style: chr3-49004244-C-G. GRCh37 (hg19) VCF-style: chr3-49041677-C-G.
Other names: c.871C>G, p.Arg291Gly (NM_177938.2); short protein forms R291G.
Identifiers: ClinVar variation 3413110 (VCV003413110.2).